The following is an entry in ClinVar:

ClinVar aggregate classification (germline): Uncertain significance. Review status: criteria provided, multiple submitters, no conflicts (2 of 4 stars). 2 submissions from 2 submitters: Uncertain significance (2). Last evaluated 2023-09-04.

Conditions:
Severe combined immunodeficiency due to CARMIL2 deficiency. Also called: IMMUNODEFICIENCY 58. Identifiers: Orphanet 542301, MedGen C4748304, MONDO:0029134, OMIM 618131.

gnomAD v4.1: 1 of 1,604,254 alleles (0.000062%); highest among the groups gnomAD compares: Non-Finnish European, 0.000085%; no homozygotes.

Submissions (2):

Laboratorio de Genetica e Diagnostico Molecular, Hospital Israelita Albert Einstein
Classification: Uncertain significance for Severe combined immunodeficiency due to CARMIL2 deficiency. Last evaluated: 2023-09-04. Review status: criteria provided, single submitter. Criteria: ACMG Guidelines, 2015. Collection method: clinical testing. Allele origin: germline. Affected: yes.
Comment: ACMG classification criteria: PM2 moderate, BP4 supporting

Labcorp Genetics (formerly Invitae), Labcorp
Classification: Uncertain significance. Last evaluated: 2022-05-04. Review status: criteria provided, single submitter. Criteria: Invitae Variant Classification Sherloc (09022015). Collection method: clinical testing. Allele origin: germline.
Comment: In summary, the available evidence is currently insufficient to determine the role of this variant in disease. Therefore, it has been classified as a Variant of Uncertain Significance. Algorithms developed to predict the effect of missense changes on protein structure and function are either unavailable or do not agree on the potential impact of this missense change (SIFT: "Deleterious"; PolyPhen-2: "Benign"; Align-GVGD: "Class C0"). This variant has not been reported in the literature in individuals affected with CARMIL2-related conditions. This variant is not present in population databases (gnomAD no frequency). This sequence change replaces alanine, which is neutral and non-polar, with proline, which is neutral and non-polar, at codon 501 of the CARMIL2 protein (p.Ala501Pro).

NM_001013838.3(CARMIL2):c.1501G>C (p.Ala501Pro)

Gene: CARMIL2 (capping protein regulator and myosin 1 linker 2; plus strand). Cytogenetic location: 16q22.1.
Variant type: single nucleotide variant.
Coding change: c.1501G>C on transcript NM_001013838.3 (MANE Select); coding-DNA position 1501, G replaced by C.
Protein change: p.Ala501Pro; replaces alanine 501 with proline.
Molecular consequence: missense variant.
Genome position (GRCh38, 1-based): chr16:67,648,746, G>C. VCF-style: chr16-67648746-G-C. GRCh37 (hg19) VCF-style: chr16-67682649-G-C.
Other names: c.1393G>C, p.Ala465Pro (NM_001317026.3); short protein forms A501P, A465P.
Identifiers: ClinVar variation 2116047 (VCV002116047.5), dbSNP rs2543549176, ClinGen allele CA396336889.